The following is an entry in ClinVar:

ClinVar aggregate classification (germline): Pathogenic (1 of 4 stars; one submission).

Conditions:
Wiedemann-Steiner syndrome (WDSTS). Also called: Growth deficiency and mental retardation with facial dysmorphism. Identifiers: Orphanet 319182, MedGen C1854630, MONDO:0011518, OMIM 605130.

Submission:

Victorian Clinical Genetics Services, Murdoch Childrens Research Institute
Classification: Pathogenic for Wiedemann-Steiner syndrome. Last evaluated: 2026-07-02. Review status: criteria provided, single submitter. Criteria: ACMG Guidelines, 2015. Collection method: clinical testing. Allele origin: germline. Affected: yes.
Comment: This variant is classified as Pathogenic. Evidence in support of pathogenic classification: Variant is predicted to cause nonsense-mediated decay (NMD) and loss of protein (premature termination codon is located at least 54 nucleotides upstream of the final exon-exon junction); Variant is absent from gnomAD (v2, v3 and v4); Other NMD-predicted variants comparable to the one identified in this case have very strong previous evidence for pathogenicity (DECIPHER); Additional information: This variant is heterozygous; This gene is associated with autosomal dominant disease; This variant has no previous evidence of pathogenicity; No published evidence of segregation with disease has been identified for this variant; No published functional evidence has been identified for this variant; Loss of function is a known mechanism of disease in this gene and is associated with Wiedemann-Steiner syndrome (MIM#605130).

NM_001197104.2(KMT2A):c.10817_10821del (p.Glu3606fs)

Gene: KMT2A (lysine methyltransferase 2A; plus strand). Cytogenetic location: 11q23.3.
Variant type: Deletion.
Coding change: c.10817_10821del on transcript NM_001197104.2 (MANE Select); coding-DNA positions 10817 to 10821, 5 bases deleted (AGTGT; older notation c.10817_10821delAGTGT).
Protein change: p.Glu3606fs; shifts the reading frame from glutamic acid 3606.
Molecular consequence: frameshift variant.
Genome position (GRCh38, 1-based): chr11:118,507,591-118,507,595, AGTGT deleted. VCF-style (leftmost placement, unchanged base first): chr11-118507590-GAGTGT-G. GRCh37 (hg19) VCF-style: chr11-118378305-GAGTGT-G.
Other names: c.10907_10911del, p.Glu3636fs (NM_001412597.1); c.10808_10812del, p.Glu3603fs (NM_005933.4); short protein forms E3603fs, E3606fs, E3636fs.
Identifiers: ClinVar variation 3377224 (VCV003377224.2).